The following is an entry in ClinVar:

ClinVar aggregate classification (germline): Likely benign (1 of 4 stars; one submission).

Submission:

CeGaT Center for Human Genetics Tuebingen
Classification: Likely benign. Last evaluated: 2024-09-01. Review status: criteria provided, single submitter. Criteria: CeGaT Center For Human Genetics Tuebingen Variant Classification Criteria Version 2. Collection method: clinical testing. Allele origin: germline. Affected: yes. Observed: 1 variant allele.
Comment: LAMA1: BP4, BP7

NM_005559.4(LAMA1):c.2115T>C (p.Asp705=)

Gene: LAMA1 (laminin subunit alpha 1; minus strand). Cytogenetic location: 18p11.31.
Variant type: single nucleotide variant.
Coding change: c.2115T>C on transcript NM_005559.4 (MANE Select); coding-DNA position 2115, T replaced by C.
Protein change: p.Asp705=; no amino-acid change (aspartic acid 705 retained).
Molecular consequence: synonymous variant.
Genome position (GRCh38, 1-based): chr18:7,033,032, A>G on the plus strand (T>C on the coding strand, the complement: LAMA1 is on the minus strand). VCF-style: chr18-7033032-A-G. GRCh37 (hg19) VCF-style: chr18-7033031-A-G.
Identifiers: ClinVar variation 3389653 (VCV003389653.14).